The following is an entry in ClinVar:

ClinVar aggregate classification (germline): Conflicting classifications of pathogenicity. Review status: criteria provided, conflicting classifications (1 of 4 stars). 7 submissions from 7 submitters: Uncertain significance (5); Likely benign (1). 1 of the submissions does not count toward it. Last evaluated 2025-08-14.

Conditions:
Hereditary cancer-predisposing syndrome. Also called: Hereditary neoplastic syndrome; Neoplastic Syndromes, Hereditary; Tumor predisposition; Hereditary Cancer Syndrome. Identifiers: Orphanet 140162, MedGen C0027672, MeSH D009386, MONDO:0015356.
Ataxia-telangiectasia syndrome (AT). Also called: LOUIS-BAR SYNDROME; Cerebello-oculocutaneous telangiectasia; Immunodeficiency with ataxia telangiectasia; AT, COMPLEMENTATION GROUP C; Ataxia-telangiectasia, complementation group D; ATAXIA-TELANGIECTASIA, COMPLEMENTATION GROUP A. Identifiers: Orphanet 100, MedGen C0004135, MONDO:0008840, OMIM 208900.

Submissions (7):

Labcorp Genetics (formerly Invitae), Labcorp
Classification: Uncertain significance for Ataxia-telangiectasia syndrome. Last evaluated: 2025-08-14. Review status: criteria provided, single submitter. Criteria: Invitae Variant Classification Sherloc (09022015). Collection method: clinical testing. Allele origin: germline.
Comment: This sequence change replaces threonine, which is neutral and polar, with serine, which is neutral and polar, at codon 842 of the ATM protein (p.Thr842Ser). This variant is not present in population databases (gnomAD no frequency). This variant has not been reported in the literature in individuals affected with ATM-related conditions. ClinVar contains an entry for this variant (Variation ID: 481228). Invitae Evidence Modeling of protein sequence and biophysical properties (such as structural, functional, and spatial information, amino acid conservation, physicochemical variation, residue mobility, and thermodynamic stability) indicates that this missense variant is not expected to disrupt ATM protein function with a negative predictive value of 95%. In summary, the available evidence is currently insufficient to determine the role of this variant in disease. Therefore, it has been classified as a Variant of Uncertain Significance.

Women's Health and Genetics/Laboratory Corporation of America, LabCorp
Classification: Uncertain significance. Last evaluated: 2025-06-10. Review status: criteria provided, single submitter. Criteria: LabCorp Variant Classification Summary - May 2015. Collection method: clinical testing. Allele origin: germline.
Comment: Variant summary: ATM c.2525C>G (p.Thr842Ser) results in a conservative amino acid change in the encoded protein sequence. Algorithms developed to predict the effect of missense changes on protein structure and function all suggest that this variant is likely to be tolerated. The variant was absent in 251420 control chromosomes. The available data on variant occurrences in the general population are insufficient to allow any conclusion about variant significance. To our knowledge, no occurrence of c.2525C>G in individuals affected with ATM-related conditions and no experimental evidence demonstrating its impact on protein function have been reported. ClinVar contains an entry for this variant (Variation ID: 481228). Based on the evidence outlined above, the variant was classified as uncertain significance.

Ambry Genetics
Classification: Likely benign for Hereditary cancer-predisposing syndrome. Last evaluated: 2025-02-20. Review status: criteria provided, single submitter. Criteria: Ambry Variant Classification Scheme 2023. Collection method: clinical testing. Allele origin: germline.

Molecular Diagnostics Laboratory, Catalan Institute of Oncology
Classification: Uncertain significance for Hereditary cancer-predisposing syndrome. Last evaluated: 2024-12-04. Review status: criteria provided, single submitter. Criteria: ClinGen ACMG Specifications ATM V1.1.0. Collection method: clinical testing. Allele origin: germline.
Comment: PM2_Supporting, BP4 c.2525C>G located in exon 17 of the ATM gene, is predicted to result in the substitution of threonine by serine at codon 842, p.(Thr842Ser).It is not present in the population database gnomAD v2.1.1, non cancer dataset (PM2_supporting). The SpliceAI algorithm predicts no significant impact on splicing and the REVEL meta-predictor score for this variant (0.039) suggests that it does not affect the protein function (BP4). To our knowledge, functional studies have not been reported for this variant. In addition, the variant was also identified in the ClinVar database (5x uncertain significance) but is not present in LOVD database. Based on currently available information, the variant c.2525C>G is classified as an uncertain significance variant according to ClinGen-ATM Guidelines version v1.1.

GeneDx
Classification: Uncertain significance. Last evaluated: 2022-12-05. Review status: criteria provided, single submitter. Criteria: GeneDx Variant Classification Process June 2021. Collection method: clinical testing. Allele origin: germline. Affected: yes.
Comment: Not observed at significant frequency in large population cohorts (gnomAD); In silico analysis supports that this missense variant does not alter protein structure/function; Has not been previously published as pathogenic or benign to our knowledge

Color Diagnostics, LLC DBA Color Health
Classification: Uncertain significance for Hereditary cancer-predisposing syndrome. Last evaluated: 2022-04-05. Review status: criteria provided, single submitter. Criteria: ACMG Guidelines, 2015. Collection method: clinical testing. Allele origin: germline.
Comment: This missense variant replaces threonine with serine at codon 842 of the ATM protein. Computational prediction suggests that this variant may not impact protein structure and function (internally defined REVEL score threshold <= 0.5, PMID: 27666373). To our knowledge, functional studies have not been reported for this variant. This variant has not been reported in individuals affected with hereditary cancer in the literature. This variant has not been identified in the general population by the Genome Aggregation Database (gnomAD). The available evidence is insufficient to determine the role of this variant in disease conclusively. Therefore, this variant is classified as a Variant of Uncertain Significance.

Natera, Inc.
Classification: Uncertain significance for Ataxia-telangiectasia. Last evaluated: 2021-06-10. Review status: no assertion criteria provided. Collection method: clinical testing. Allele origin: germline. Not counted in ClinVar's aggregate classification.

NM_000051.4(ATM):c.2525C>G (p.Thr842Ser)

Gene: ATM (ATM serine/threonine kinase; plus strand). Cytogenetic location: 11q22.3.
Variant type: single nucleotide variant.
Coding change: c.2525C>G on transcript NM_000051.4 (MANE Select); coding-DNA position 2525, C replaced by G.
Protein change: p.Thr842Ser; replaces threonine 842 with serine.
Molecular consequence: missense variant.
Genome position (GRCh38, 1-based): chr11:108,267,229, C>G. VCF-style: chr11-108267229-C-G. GRCh37 (hg19) VCF-style: chr11-108137956-C-G.
Other names: c.2525C>G, p.Thr842Ser (NM_001351834.2); short protein forms T842S.
Identifiers: ClinVar variation 481228 (VCV000481228.26), dbSNP rs1555082164, ClinGen allele CA382543518.